The following is an entry in ClinVar:

ClinVar aggregate classification (germline): Pathogenic/Likely pathogenic. Review status: criteria provided, multiple submitters, no conflicts (2 of 4 stars). 3 submissions from 3 submitters: Pathogenic (1); Likely pathogenic (2). Last evaluated 2025-02-25.

Conditions:
BILIRUBIN, SERUM LEVEL OF, QUANTITATIVE TRAIT LOCUS 1 (BILIQTL1). Identifiers: MedGen C1866173, OMIM 601816.
Lucey-Driscoll syndrome (HBLRTFN). Also called: Transient familial neonatal hyperbilirubinemia. Identifiers: Orphanet 2312, MedGen C0270210, MONDO:0009383, OMIM 237900.
Crigler-Najjar syndrome, type II. Also called: Crigler Najjar syndrome, type 2; Mutation in the UDP-glucuronosyl-transferase gene; HYPERBILIRUBINEMIA, CRIGLER-NAJJAR TYPE II. Identifiers: Orphanet 205, Orphanet 79235, MedGen C2931132, MONDO:0011725, OMIM 606785.
Crigler-Najjar syndrome type 1. Also called: HYPERBILIRUBINEMIA, CRIGLER-NAJJAR TYPE I. Identifiers: Orphanet 79234, MedGen C0010324, MONDO:0021020, OMIM 218800.
Gilbert syndrome. Also called: HYPERBILIRUBINEMIA I; HYPERBILIRUBINEMIA, ARIAS TYPE; HYPERBILIRUBINEMIA, GILBERT TYPE; Gilbert's syndrome; Gilbert Disease. Identifiers: MedGen C0017551, MONDO:0007745, OMIM 143500.

gnomAD v4.1: 2 of 1,614,256 alleles (0.00012%); highest among the groups gnomAD compares: Non-Finnish European, 0.00017%; no homozygotes.

Submissions (3):

ARUP Laboratories, Molecular Genetics and Genomics, ARUP Laboratories
Classification: Likely pathogenic. Last evaluated: 2025-02-25. Review status: criteria provided, single submitter. Criteria: ARUP Molecular Germline Variant Investigation Process 2024. Collection method: clinical testing. Allele origin: germline.
Comment: The UGT1A1 c.1382G>A; p.Trp461Ter variant, to our knowledge, is not reported in the medical literature but is reported in ClinVar (Variation ID: 2417123). This variant is also absent from the Genome Aggregation Database (v2.1.1), indicating it is not a common polymorphism. This variant results in a premature termination codon in the last exon of the UGT1A1 gene. While this may not lead to nonsense-mediated decay, it is expected to create a truncated protein. Additionally, variants downstream to this truncation are reported in the literature as disease-causing (Kadakol 2000, Minucci 2015). Based on available information, this variant is considered to be likely pathogenic.

Fulgent Genetics
Classification: Likely pathogenic for Gilbert syndrome; Crigler-Najjar syndrome type 1; Lucey-Driscoll syndrome; BILIRUBIN, SERUM LEVEL OF, QUANTITATIVE TRAIT LOCUS 1; Crigler-Najjar syndrome, type II. Last evaluated: 2024-01-02. Review status: criteria provided, single submitter. Criteria: ACMG Guidelines, 2015. Collection method: clinical testing. Allele origin: germline.

Labcorp Genetics (formerly Invitae), Labcorp
Classification: Pathogenic. Last evaluated: 2022-10-28. Review status: criteria provided, single submitter. Criteria: Invitae Variant Classification Sherloc (09022015). Collection method: clinical testing. Allele origin: germline.
Comment: For these reasons, this variant has been classified as Pathogenic. This variant disrupts a region of the UGT1A1 protein in which other variant(s) (p.Ser488Phe) have been determined to be pathogenic (PMID: 1634050). This suggests that this is a clinically significant region of the protein, and that variants that disrupt it are likely to be disease-causing. This variant has not been reported in the literature in individuals affected with UGT1A1-related conditions. This variant is not present in population databases (gnomAD no frequency). This sequence change creates a premature translational stop signal (p.Trp461*) in the UGT1A1 gene. While this is not anticipated to result in nonsense mediated decay, it is expected to disrupt the last 73 amino acid(s) of the UGT1A1 protein.

Literature cited by the submitters: PubMed 1634050 (cited by Labcorp Genetics (formerly Invitae), Labcorp).

NM_000463.3(UGT1A1):c.1382G>A (p.Trp461Ter)

Genes: UGT1A6 (UDP glucuronosyltransferase family 1 member A6; plus strand), UGT1A1 (UDP glucuronosyltransferase family 1 member A1; plus strand), UGT1A5 (UDP glucuronosyltransferase family 1 member A5; plus strand), UGT1A8 (UDP glucuronosyltransferase family 1 member A8; plus strand), UGT1A9 (UDP glucuronosyltransferase family 1 member A9; plus strand) and 5 more. Cytogenetic location: 2q37.1.
Variant type: single nucleotide variant.
Coding change: c.1382G>A on transcript NM_000463.3 (MANE Select); coding-DNA position 1382, G replaced by A.
Protein change: p.Trp461Ter; replaces tryptophan 461 with a stop codon.
Molecular consequence: nonsense.
Genome position (GRCh38, 1-based): chr2:233,772,339, G>A. VCF-style: chr2-233772339-G-A. GRCh37 (hg19) VCF-style: chr2-234680985-G-A.
Other names: c.1373G>A, p.Trp458Ter (NM_019075.4, NM_019076.5, NM_019077.3 and 1 more transcripts); c.1379G>A, p.Trp460Ter (NM_001072.4); c.578G>A, p.Trp193Ter (NM_205862.3); c.1385G>A, p.Trp462Ter (NM_019078.2, NM_007120.3, NM_019093.4); short protein forms W193*, W458*, W460*, W461*, W462*.
Identifiers: ClinVar variation 2417123 (VCV002417123.8), dbSNP rs1424603943, ClinGen allele CA351076157.